The following is an entry in ClinVar:

NM_001042492.3(NF1):c.441C>A (p.Cys147Ter)

Gene: NF1 (neurofibromin 1; plus strand). Cytogenetic location: 17q11.2.
Variant type: single nucleotide variant.
Coding change: c.441C>A on transcript NM_001042492.3 (MANE Select); coding-DNA position 441, C replaced by A.
Protein change: p.Cys147Ter; replaces cysteine 147 with a stop codon.
Molecular consequence: nonsense.
Genome position (GRCh38, 1-based): chr17:31,163,338, C>A. VCF-style: chr17-31163338-C-A. GRCh37 (hg19) VCF-style: chr17-29490356-C-A.
Other names: c.441C>A, p.Cys147Ter (NM_000267.4, NM_001128147.3); short protein forms C147*.
Identifiers: ClinVar variation 631512 (VCV000631512.4), dbSNP rs1597636022, ClinGen allele CA398981955.

ClinVar aggregate classification (germline): risk factor (0 of 4 stars; one submission).

Conditions:
Neurofibromatosis, type 1 (NF1). Also called: NEUROFIBROMATOSIS, TYPE I, SOMATIC; VON RECKLINGHAUSEN DISEASE; Peripheral type neurofibromatosis; Neurofibromatosis, type I. Identifiers: Orphanet 636, MedGen C0027831, MONDO:0018975, OMIM 162200. Disease mechanism: loss of function.

Submission:

Institute of Neuropathology, University Medical Center Hamburg-Eppendorf
Classification: risk factor for Neurofibromatosis Type 1. Review status: no assertion criteria provided. Collection method: clinical testing. Allele origin: maternal. Inheritance: Autosomal dominant inheritance. Affected: yes.
Comment: NM_000267.3:c.441C>A is a nonsense mutation in exon 4 of the NF1 gene.